The following is an entry in ClinVar:

NM_033056.4(PCDH15):c.4812G>T (p.Arg1604Ser)

Gene: PCDH15 (protocadherin related 15; minus strand). Cytogenetic location: 10q21.1.
Variant type: single nucleotide variant.
Coding change: c.4812G>T on transcript NM_033056.4 (MANE Plus Clinical); coding-DNA position 4812, G replaced by T.
Protein change: p.Arg1604Ser; replaces arginine 1604 with serine.
Molecular consequence: missense variant. On other transcripts: intron variant (8).
Genome position (GRCh38, 1-based): chr10:53,822,914, C>A on the plus strand (G>T on the coding strand, the complement: PCDH15 is on the minus strand). VCF-style: chr10-53822914-C-A. GRCh37 (hg19) VCF-style: chr10-55582674-C-A.
Other names: c.4833G>T, p.Arg1611Ser (NM_001142763.2); c.4818G>T, p.Arg1606Ser (NM_001142764.2); c.4605G>T, p.Arg1535Ser (NM_001142765.2); c.4803G>T, p.Arg1601Ser (NM_001142766.2); c.4692G>T, p.Arg1564Ser (NM_001142767.2); c.4752G>T, p.Arg1584Ser (NM_001142768.2); c.4743G>T, p.Arg1581Ser (NM_001142773.2); c.4746G>T, p.Arg1582Ser (NM_001354404.2); and 6 more; short protein forms R1604S, R1535S, R1584S, R1601S, R1564S, R1582S, R1606S, R1581S.
Identifiers: ClinVar variation 227009 (VCV000227009.50), dbSNP rs148718874, ClinGen allele CA5505184.

ClinVar aggregate classification (germline): Benign/Likely benign. Review status: criteria provided, multiple submitters, no conflicts (2 of 4 stars). 10 submissions from 10 submitters: Benign (3); Likely benign (5). 2 of the submissions do not count toward it. Last evaluated 2026-03-01.

Conditions:
Autosomal recessive nonsyndromic hearing loss 23. Identifiers: Orphanet 90636, MedGen C1836027, MONDO:0012293, OMIM 609533.
Usher syndrome type 1D (USH1D). Also called: USHER SYNDROME, TYPE ID. Identifiers: Orphanet 231169, Orphanet 886, MedGen C1832845, MONDO:0010984, OMIM 601067.
Usher syndrome type 1F (USH1F). Also called: USHER SYNDROME, TYPE IF. Identifiers: Orphanet 231169, Orphanet 886, MedGen C1865885, MONDO:0011186, OMIM 602083.
Usher syndrome type 1 (USH1). Also called: RETINITIS PIGMENTOSA AND CONGENITAL DEAFNESS. Identifiers: Orphanet 231169, Orphanet 886, MedGen C1568247, MONDO:0010168, OMIM 276900.

Allele frequency attached by ClinVar (database versions not stated): TOPMed 0.00129; 1000 Genomes Project 0.00459; ESP Exome Variant Server 0.00008; gnomAD 0.00066 and 0.00087; 1000 Genomes Project 30x 0.00375.
gnomAD v4.1: 1,029 of 1,614,108 alleles (0.064%); highest among the groups gnomAD compares: East Asian, 2.1%; 16 homozygotes.

Submissions (10):

CeGaT Center for Human Genetics Tuebingen
Classification: Likely benign. Last evaluated: 2026-03-01. Review status: criteria provided, single submitter. Criteria: CeGaT Center For Human Genetics Tuebingen Variant Classification Criteria Version 2. Collection method: clinical testing. Allele origin: germline. Affected: yes. Observed: 3 variant alleles.
Comment: PCDH15: BP4

Labcorp Genetics (formerly Invitae), Labcorp
Classification: Benign. Last evaluated: 2026-01-28. Review status: criteria provided, single submitter. Criteria: Invitae Variant Classification Sherloc (09022015). Collection method: clinical testing. Allele origin: germline.

Women's Health and Genetics/Laboratory Corporation of America, LabCorp
Classification: Likely benign. Last evaluated: 2023-06-28. Review status: criteria provided, single submitter. Criteria: LabCorp Variant Classification Summary - May 2015. Collection method: clinical testing. Allele origin: germline.
Comment: Variant summary: PCDH15 c.4812G>T (p.Arg1604Ser) results in a non-conservative amino acid change in the encoded protein sequence. Four of five in-silico tools predict a benign effect of the variant on protein function. The variant allele was found at a frequency of 0.0021 in 251356 control chromosomes, predominantly at a frequency of 0.028 within the East Asian subpopulation in the gnomAD database, including 12 homozygotes. The observed variant frequency within East Asian control individuals in the gnomAD database is approximately 9 fold of the estimated maximal expected allele frequency for a pathogenic variant in PCDH15 causing Usher Syndrome Type 1F phenotype (0.0032), strongly suggesting that the variant is a benign polymorphism found primarily in populations of East Asian origin. c.4812G>T has been reported in the literature in individuals affected with poor cochlear implants outcome and vestibular dysfunction (examples: Wu_2015 and Guan_2021) and one of these reports classified the variant as VUS (Guan_2021). These report(s) do not provide unequivocal conclusions about association of the variant with Usher Syndrome Type 1F. The following publications have been ascertained in the context of this evaluation (PMID: 26166082, 34416374). Seven submitters have cited clinical-significance assessments for this variant to ClinVar after 2014 and classified the variant as VUS (n=1) and benign/ likely benign (n=6). Based on the evidence outlined above, the variant was classified as likely benign.

Fulgent Genetics
Classification: Likely benign for Usher syndrome type 1D; Usher syndrome type 1F; Autosomal recessive nonsyndromic hearing loss 23. Last evaluated: 2022-04-29. Review status: criteria provided, single submitter. Criteria: ACMG Guidelines, 2015. Collection method: clinical testing. Allele origin: unknown.

GeneDx
Classification: Benign. Last evaluated: 2019-05-23. Review status: criteria provided, single submitter. Criteria: GeneDx Variant Classification Process June 2021. Collection method: clinical testing. Allele origin: germline. Affected: yes.
Comment: This variant is associated with the following publications: (PMID: 26166082, 29625443, 31180159, 33090715)

Illumina Laboratory Services, Illumina
Classification: Likely benign for Usher syndrome type 1. Last evaluated: 2018-01-12. Review status: criteria provided, single submitter. Criteria: ICSL Variant Classification Criteria 13 December 2019. Collection method: clinical testing. Allele origin: germline.
Comment: This variant was observed in the ICSL laboratory as part of a predisposition screen in an ostensibly healthy population. It had not been previously curated by ICSL or reported in the Human Gene Mutation Database (HGMD: prior to June 1st, 2018), and was therefore a candidate for classification through an automated scoring system. Utilizing variant allele frequency, disease prevalence and penetrance estimates, and inheritance mode, an automated score was calculated to assess if this variant is too frequent to cause the disease. Based on the score and internal cut-off values, a variant classified as likely benign is not then subjected to further curation. The score for this variant resulted in a classification of likely benign for this disease.

Laboratory for Molecular Medicine, Mass General Brigham Personalized Medicine
Classification: Benign. Last evaluated: 2015-10-20. Review status: criteria provided, single submitter. Criteria: LMM Criteria. Collection method: clinical testing. Allele origin: germline. Observed: 2 variant alleles.
Comment: p.Arg1604Ser in exon 33 of PCDH15: This variant is not expected to have clinical significance because it has been identified in 2.75% (238/8654) of East Asian c hromosomes by the Exome Aggregation Consortium (ExAC .org; rs148718874).

Breakthrough Genomics
Classification: Likely benign. Review status: criteria provided, single submitter. Criteria: ACMG Guidelines, 2015. Collection method: not provided. Allele origin: germline. Inheritance: Autosomal recessive inheritance. Affected: yes.

WangQJ Lab, Chinese People's Liberation Army General Hospital
Classification: Uncertain significance for Autosomal recessive nonsyndromic hearing loss 23. Last evaluated: 2021-07-01. Review status: no assertion criteria provided. Collection method: clinical testing. Allele origin: inherited. Affected: yes. Not counted in ClinVar's aggregate classification.

Natera, Inc.
Classification: Benign for Usher syndrome type 1F. Last evaluated: 2020-01-06. Review status: no assertion criteria provided. Collection method: clinical testing. Allele origin: germline. Not counted in ClinVar's aggregate classification.

Literature cited by the submitters: PubMed 34416374 (cited by Women's Health and Genetics/Laboratory Corporation of America, LabCorp); PubMed 26166082 (cited by Women's Health and Genetics/Laboratory Corporation of America, LabCorp).